The following is an entry in ClinVar:

NM_001458.5(FLNC):c.602-2A>C

Gene: FLNC (filamin C; plus strand). Cytogenetic location: 7q32.1.
Variant type: single nucleotide variant.
Coding change: c.602-2A>C on transcript NM_001458.5 (MANE Select); the canonical splice acceptor site of the intron before coding-DNA position 602, A replaced by C.
Molecular consequence: splice acceptor variant.
Genome position (GRCh38, 1-based): chr7:128,837,158, A>C. VCF-style: chr7-128837158-A-C. GRCh37 (hg19) VCF-style: chr7-128477212-A-C.
Other names: c.602-2A>C (NM_001127487.2).
Identifiers: ClinVar variation 2948841 (VCV002948841.3), dbSNP rs2128934056, ClinGen allele CA369220781.
Genomic context (GRCh38, chr7:128,837,158, plus strand): 5'-ATGCCCTGCATCCTGGCCGGCTGGCTGCCCCTCACCATCGTCTCCCTCCATCACCTCTCC[A>C]GGTCTCTGCCCCGACTGGGAGGCCTGGGACCCCAACCAGCCCGTGGAGAACGCCCGGGAG-3'

ClinVar aggregate classification (germline): Likely pathogenic (1 of 4 stars; one submission).

Conditions:
Hypertrophic cardiomyopathy 26. Also called: Cardiomyopathy, familial hypertrophic, 26. Identifiers: Orphanet 75249, MedGen C4310749, MONDO:0014883, OMIM 617047.
Myofibrillar myopathy 5. Also called: Filaminopathy (type); FILAMINOPATHY, AUTOSOMAL DOMINANT. Identifiers: Orphanet 171445, MedGen C1836050, MONDO:0012289, OMIM 609524.
Distal myopathy with posterior leg and anterior hand involvement. Also called: WILLIAMS DISTAL MYOPATHY. Identifiers: Orphanet 63273, MedGen C3279722, MONDO:0013550, OMIM 614065.

Submission:

Labcorp Genetics (formerly Invitae), Labcorp
Classification: Likely pathogenic for Distal myopathy with posterior leg and anterior hand involvement; Myofibrillar myopathy 5; Hypertrophic cardiomyopathy 26. Last evaluated: 2023-06-14. Review status: criteria provided, single submitter. Criteria: Invitae Variant Classification Sherloc (09022015). Collection method: clinical testing. Allele origin: germline.
Comment: In summary, the currently available evidence indicates that the variant is pathogenic, but additional data are needed to prove that conclusively. Therefore, this variant has been classified as Likely Pathogenic. Algorithms developed to predict the effect of sequence changes on RNA splicing suggest that this variant may disrupt the consensus splice site. This variant has not been reported in the literature in individuals affected with FLNC-related conditions. This variant is not present in population databases (gnomAD no frequency). This sequence change affects an acceptor splice site in intron 2 of the FLNC gene. It is expected to disrupt RNA splicing. Variants that disrupt the donor or acceptor splice site typically lead to a loss of protein function (PMID: 16199547), and loss-of-function variants in FLNC are known to be pathogenic (PMID: 27908349).

Literature cited by the submitters: PubMed 16199547; PubMed 27908349.